The following is an entry in ClinVar:

ClinVar aggregate classification (germline): Uncertain significance. Review status: criteria provided, multiple submitters, no conflicts (2 of 4 stars). 2 submissions from 2 submitters: Uncertain significance (2). Last evaluated 2023-05-31.

Conditions:
Inborn genetic diseases. Identifiers: MedGen C0950123, MeSH D030342.

Allele frequency attached by ClinVar (database versions not stated): ExAC 0.00001; gnomAD 0.00004; TOPMed 0.00006; ESP Exome Variant Server 0.00015.
gnomAD v4.1: 13 of 1,598,392 alleles (0.00081%); highest among the groups gnomAD compares: African/African-American, 0.011%; no homozygotes.

Submissions (2):

GeneDx
Classification: Uncertain significance. Last evaluated: 2023-05-31. Review status: criteria provided, single submitter. Criteria: GeneDx Variant Classification Process June 2021. Collection method: clinical testing. Allele origin: germline. Affected: yes.
Comment: Not observed at significant frequency in large population cohorts (gnomAD); In silico analysis supports that this missense variant does not alter protein structure/function; Has not been previously published as pathogenic or benign to our knowledge; This variant is associated with the following publications: (PMID: Crisan2010[thesis])

Ambry Genetics
Classification: Uncertain significance for Inborn genetic diseases. Last evaluated: 2019-11-19. Review status: criteria provided, single submitter. Criteria: Ambry Variant Classification Scheme 2023. Collection method: clinical testing. Allele origin: germline.
Comment: The p.R1380H variant (also known as c.4139G>A), located in coding exon 4 of the PRX gene, results from a G to A substitution at nucleotide position 4139. The arginine at codon 1380 is replaced by histidine, an amino acid with highly similar properties. This amino acid position is not well conserved in available vertebrate species. In addition, this alteration is predicted to be tolerated by in silico analysis. Since supporting evidence is limited at this time, the clinical significance of this alteration remains unclear.

NM_181882.3(PRX):c.4139G>A (p.Arg1380His)

Gene: PRX (periaxin; minus strand). Cytogenetic location: 19q13.2.
Variant type: single nucleotide variant.
Coding change: c.4139G>A on transcript NM_181882.3 (MANE Select); coding-DNA position 4139, G replaced by A.
Protein change: p.Arg1380His; replaces arginine 1380 with histidine.
Molecular consequence: missense variant. On other transcripts: 3 prime UTR variant (1).
Genome position (GRCh38, 1-based): chr19:40,394,213, C>T on the plus strand (G>A on the coding strand, the complement: PRX is on the minus strand). VCF-style: chr19-40394213-C-T. GRCh37 (hg19) VCF-style: chr19-40900120-C-T.
Other names: c.4424G>A, p.Arg1475His (NM_001411127.1); c.*4344G>A (NM_020956.2); short protein forms R1380H, R1475H.
Identifiers: ClinVar variation 1738131 (VCV001738131.3), dbSNP rs142978341, ClinGen allele CA9443681.
Genomic context (GRCh38, chr19:40,394,213, plus strand): 5'-TTGGGGGCTGCATCGCCCTCCTGCCCCCGAGAGGCTTTAGAAGGGGCCGCCAGGCCTACA[C>T]GTGGCAAGCGGACCCGGACCCGGCCCCGGCGACCCGAGGCCCCTTCCCCACTGCCCTCTT-3'
Protein context (NP_870998.2, residues 1370-1390): RRGRVRVRLP[Arg1380His]VGLAAPSKAS